The following is an entry in ClinVar:

ClinVar aggregate classification (germline): Conflicting classifications of pathogenicity. Review status: criteria provided, conflicting classifications (1 of 4 stars). 2 submissions from 2 submitters: Uncertain significance (1); Likely benign (1). Last evaluated 2025-07-08.

Allele frequency attached by ClinVar (database versions not stated): 1000 Genomes Project 30x 0.00047; ExAC 0.00003; gnomAD exomes 0.00007; 1000 Genomes Project 0.00040.
gnomAD v4.1: 65 of 1,613,512 alleles (0.004%); highest among the groups gnomAD compares: Middle Eastern, 0.033%; no homozygotes.

Submissions (2):

Mayo Clinic Laboratories, Mayo Clinic
Classification: Likely benign. Last evaluated: 2025-07-08. Review status: criteria provided, single submitter. Criteria: ACMG Guidelines, 2015. Collection method: clinical testing. Allele origin: germline. Observed: 2 variant alleles.
Comment: BP4, BP7

Labcorp Genetics (formerly Invitae), Labcorp
Classification: Uncertain significance. Last evaluated: 2023-12-04. Review status: criteria provided, single submitter. Criteria: Invitae Variant Classification Sherloc (09022015). Collection method: clinical testing. Allele origin: germline.
Comment: This sequence change falls in intron 13 of the SBF1 gene. It does not directly change the encoded amino acid sequence of the SBF1 protein. It affects a nucleotide within the consensus splice site. This variant is present in population databases (rs530337132, gnomAD 0.05%). This variant has not been reported in the literature in individuals affected with SBF1-related conditions. ClinVar contains an entry for this variant (Variation ID: 1509211). Variants that disrupt the consensus splice site are a relatively common cause of aberrant splicing (PMID: 17576681, 9536098). Algorithms developed to predict the effect of sequence changes on RNA splicing suggest that this variant may disrupt the consensus splice site. In summary, the available evidence is currently insufficient to determine the role of this variant in disease. Therefore, it has been classified as a Variant of Uncertain Significance.

Literature cited by the submitters: PubMed 17576681 (cited by Labcorp Genetics (formerly Invitae), Labcorp); PubMed 9536098 (cited by Labcorp Genetics (formerly Invitae), Labcorp).

NM_002972.4(SBF1):c.1431+4C>T

Gene: SBF1 (SET binding factor 1; minus strand). Cytogenetic location: 22q13.33.
Variant type: single nucleotide variant.
Coding change: c.1431+4C>T on transcript NM_002972.4 (MANE Select); 4 bases into the intron after coding-DNA position 1431, C replaced by T.
Molecular consequence: intron variant.
Genome position (GRCh38, 1-based): chr22:50,464,815, G>A on the plus strand (C>T on the coding strand, the complement: SBF1 is on the minus strand). VCF-style: chr22-50464815-G-A. GRCh37 (hg19) VCF-style: chr22-50903244-G-A.
Other names: p.?; c.1434+4C>T (NM_001365819.1).
Identifiers: ClinVar variation 1509211 (VCV001509211.5), dbSNP rs530337132, ClinGen allele CA10317677.